The following is an entry in ClinVar:

NM_000384.3(APOB):c.32del (p.Leu11fs)

Genes: APOB (apolipoprotein B; minus strand), LOC106560211 (APOB 5' regulatory region; plus strand). Cytogenetic location: 2p24.1.
Variant type: Deletion.
Coding change: c.32del on transcript NM_000384.3 (MANE Select); coding-DNA position 32, one base deleted (T; older notation c.32delT).
Protein change: p.Leu11fs; shifts the reading frame from leucine 11.
Molecular consequence: frameshift variant.
Genome position (GRCh38, 1-based): chr2:21,043,914, A deleted on the plus strand (T on the coding strand, the reverse complement: APOB is on the minus strand). VCF-style (leftmost placement, unchanged base first): chr2-21043913-CA-C. GRCh37 (hg19) VCF-style: chr2-21266785-CA-C.
Other names: short protein forms L11fs.
Identifiers: ClinVar variation 4783133 (VCV004783133.1).

ClinVar aggregate classification (germline): Pathogenic (1 of 4 stars; one submission).

Conditions:
Familial hypobetalipoproteinemia 1. Also called: APOB-Related Familial Hypobetalipoproteinemia; Hypobetalipoproteinemia, normotriglyceridemic; Acanthocytosis with hypobetalipoproteinemia. Identifiers: MedGen C4551990, MONDO:0014252, OMIM 615558.
Hypercholesterolemia, autosomal dominant, type B (FHCL2). Also called: APOB-Related Familial Hypercholesterolemia, Autosomal Dominant; Familial hypercholesterolemia 2; Familial Hypercholesterolemia Type B; APOLIPOPROTEIN B-100, FAMILIAL DEFECTIVE; APOLIPOPROTEIN B-100, FAMILIAL LIGAND-DEFECTIVE; HYPERCHOLESTEROLEMIA, FAMILIAL, DUE TO LIGAND-DEFECTIVE APOLIPOPROTEIN B. Identifiers: MedGen C1704417, MONDO:0007751, OMIM 144010.

Submission:

Labcorp Genetics (formerly Invitae), Labcorp
Classification: Pathogenic for Familial hypobetalipoproteinemia 1; Hypercholesterolemia, autosomal dominant, type B. Last evaluated: 2025-03-24. Review status: criteria provided, single submitter. Criteria: Invitae Variant Classification Sherloc (09022015). Collection method: clinical testing. Allele origin: germline.
Comment: This sequence change creates a premature translational stop signal (p.Leu11Argfs*82) in the APOB gene. It is expected to result in an absent or disrupted protein product. Loss-of-function variants in APOB are known to be pathogenic (PMID: 20032471). This variant is not present in population databases (gnomAD no frequency). This variant has not been reported in the literature in individuals affected with APOB-related conditions. For these reasons, this variant has been classified as Pathogenic.

Literature cited by the submitters: PubMed 20032471.